The following is an entry in ClinVar:

NM_006231.4(POLE):c.4085T>C (p.Ile1362Thr)

Gene: POLE (DNA polymerase epsilon, catalytic subunit; minus strand). Cytogenetic location: 12q24.33.
Variant type: single nucleotide variant.
Coding change: c.4085T>C on transcript NM_006231.4 (MANE Select); coding-DNA position 4085, T replaced by C.
Protein change: p.Ile1362Thr; replaces isoleucine 1362 with threonine.
Molecular consequence: missense variant.
Genome position (GRCh38, 1-based): chr12:132,648,993, A>G on the plus strand (T>C on the coding strand, the complement: POLE is on the minus strand). VCF-style: chr12-132648993-A-G. GRCh37 (hg19) VCF-style: chr12-133225579-A-G.
Other names: c.4085T>C (NM_006231.2); short protein forms I1362T.
Identifiers: ClinVar variation 2575147 (VCV002575147.8), dbSNP rs776047820, ClinGen allele CA6893004.
Genomic context (GRCh38, chr12:132,648,993, plus strand): 5'-CGATACGAAGCACCCTCCTCCGCTTTAGCGACTCGCTGGTTCACGTAGAACACACGGGGG[A>G]TGCTCAGCCTGATGCAGTGCAAGTCACTGCCAACGAGCGCCCACAGCCTGAACAGGCCGG-3'
Protein context (NP_006222.2, residues 1352-1372): GSDLHCIRLS[Ile1362Thr]PRVFYVNQRV

ClinVar aggregate classification (germline): Uncertain significance. Review status: criteria provided, multiple submitters, no conflicts (2 of 4 stars). 3 submissions from 3 submitters: Uncertain significance (3). Last evaluated 2025-07-01.

Conditions:
Hereditary cancer-predisposing syndrome. Also called: Tumor predisposition; Hereditary neoplastic syndrome; Neoplastic Syndromes, Hereditary; Hereditary Cancer Syndrome. Identifiers: Orphanet 140162, MedGen C0027672, MeSH D009386, MONDO:0015356.

Allele frequency attached by ClinVar (database versions not stated): ExAC 0.00001; gnomAD exomes 0.00001.
gnomAD v4.1: 4 of 1,614,052 alleles (0.00025%); highest among the groups gnomAD compares: Non-Finnish European, 0.00025%; no homozygotes.

Submissions (3):

Ambry Genetics
Classification: Uncertain significance for Hereditary cancer-predisposing syndrome. Last evaluated: 2025-07-01. Review status: criteria provided, single submitter. Criteria: Ambry Variant Classification Scheme 2023. Collection method: clinical testing. Allele origin: germline.
Comment: The p.I1362T variant (also known as c.4085T>C), located in coding exon 32 of the POLE gene, results from a T to C substitution at nucleotide position 4085. The isoleucine at codon 1362 is replaced by threonine, an amino acid with similar properties. This amino acid position is well conserved in available vertebrate species. In addition, the in silico prediction for this alteration is inconclusive. Based on the available evidence, the clinical significance of this variant remains unclear.

Center for Genomic Medicine, Rigshospitalet, Copenhagen University Hospital
Classification: Uncertain significance. Last evaluated: 2025-03-04. Review status: criteria provided, single submitter. Criteria: ACMG Guidelines, 2015. Collection method: clinical testing. Allele origin: germline.

Labcorp Genetics (formerly Invitae), Labcorp
Classification: Uncertain significance. Last evaluated: 2024-12-12. Review status: criteria provided, single submitter. Criteria: Invitae Variant Classification Sherloc (09022015). Collection method: clinical testing. Allele origin: germline.
Comment: This sequence change replaces isoleucine, which is neutral and non-polar, with threonine, which is neutral and polar, at codon 1362 of the POLE protein (p.Ile1362Thr). This variant is present in population databases (rs776047820, gnomAD 0.002%). This variant has not been reported in the literature in individuals affected with POLE-related conditions. ClinVar contains an entry for this variant (Variation ID: 2575147). Invitae Evidence Modeling of protein sequence and biophysical properties (such as structural, functional, and spatial information, amino acid conservation, physicochemical variation, residue mobility, and thermodynamic stability) indicates that this missense variant is not expected to disrupt POLE protein function with a negative predictive value of 80%. In summary, the available evidence is currently insufficient to determine the role of this variant in disease. Therefore, it has been classified as a Variant of Uncertain Significance.